The following is an entry in ClinVar:

NM_004715.5(CTDP1):c.1322C>G (p.Pro441Arg)

Gene: CTDP1 (CTD phosphatase subunit 1; plus strand). Cytogenetic location: 18q23.
Variant type: single nucleotide variant.
Coding change: c.1322C>G on transcript NM_004715.5 (MANE Select); coding-DNA position 1322, C replaced by G.
Protein change: p.Pro441Arg; replaces proline 441 with arginine.
Molecular consequence: missense variant.
Genome position (GRCh38, 1-based): chr18:79,714,782, C>G. VCF-style: chr18-79714782-C-G. GRCh37 (hg19) VCF-style: chr18-77474782-C-G.
Other names: c.965C>G, p.Pro322Arg (NM_001202504.1); c.1322C>G, p.Pro441Arg (NM_001318511.2, NM_048368.4); short protein forms P322R, P441R.
Identifiers: ClinVar variation 3907090 (VCV003907090.1).

ClinVar aggregate classification (germline): Uncertain significance (1 of 4 stars; one submission).

gnomAD v4.1: 44 of 1,603,570 alleles (0.0027%); highest among the groups gnomAD compares: African/African-American, 0.0053%; no homozygotes.

Submission:

Women's Health and Genetics/Laboratory Corporation of America, LabCorp
Classification: Uncertain significance. Last evaluated: 2025-06-16. Review status: criteria provided, single submitter. Criteria: LabCorp Variant Classification Summary - May 2015. Collection method: clinical testing. Allele origin: germline.
Comment: Variant summary: CTDP1 c.1322C>G (p.Pro441Arg) results in a non-conservative amino acid change in the encoded protein sequence. Algorithms developed to predict the effect of missense changes on protein structure and function are either unavailable or do not agree on the potential impact of this missense change. The variant allele was found at a frequency of 8.9e-06 in 224368 control chromosomes (gnomAD). The available data on variant occurrences in the general population are insufficient to allow any conclusion about variant significance. To our knowledge, no occurrence of c.1322C>G in individuals affected with Congenital cataracts-facial dysmorphism-neuropathy syndrome and no experimental evidence demonstrating its impact on protein function have been reported. No submitters have cited clinical-significance assessments for this variant to ClinVar. Based on the evidence outlined above, the variant was classified as uncertain significance.